The following is an entry in ClinVar:

NM_017617.5(NOTCH1):c.299C>T (p.Thr100Ile)

Gene: NOTCH1 (notch receptor 1; minus strand). Cytogenetic location: 9q34.3.
Variant type: single nucleotide variant.
Coding change: c.299C>T on transcript NM_017617.5 (MANE Select); coding-DNA position 299, C replaced by T.
Protein change: p.Thr100Ile; replaces threonine 100 with isoleucine.
Molecular consequence: missense variant.
Genome position (GRCh38, 1-based): chr9:136,523,821, G>A on the plus strand (C>T on the coding strand, the complement: NOTCH1 is on the minus strand). VCF-style: chr9-136523821-G-A. GRCh37 (hg19) VCF-style: chr9-139418273-G-A.
Other names: short protein forms T100I.
Identifiers: ClinVar variation 2822635 (VCV002822635.3), dbSNP rs753051783, ClinGen allele CA5342210.

ClinVar aggregate classification (germline): Uncertain significance (1 of 4 stars; one submission).

Conditions:
Adams-Oliver syndrome 5 (AOS5). Identifiers: Orphanet 974, MedGen C4014970, MONDO:0014459, OMIM 616028.

Allele frequency attached by ClinVar (database versions not stated): TOPMed below 0.00001; ExAC 0.00001.

Submission:

Labcorp Genetics (formerly Invitae), Labcorp
Classification: Uncertain significance for Adams-Oliver syndrome 5. Last evaluated: 2023-09-13. Review status: criteria provided, single submitter. Criteria: Invitae Variant Classification Sherloc (09022015). Collection method: clinical testing. Allele origin: germline.
Comment: This sequence change replaces threonine, which is neutral and polar, with isoleucine, which is neutral and non-polar, at codon 100 of the NOTCH1 protein (p.Thr100Ile). In summary, the available evidence is currently insufficient to determine the role of this variant in disease. Therefore, it has been classified as a Variant of Uncertain Significance. Advanced modeling of protein sequence and biophysical properties (such as structural, functional, and spatial information, amino acid conservation, physicochemical variation, residue mobility, and thermodynamic stability) performed at Invitae indicates that this missense variant is not expected to disrupt NOTCH1 protein function. This variant has not been reported in the literature in individuals affected with NOTCH1-related conditions. The frequency data for this variant in the population databases is considered unreliable, as metrics indicate poor data quality at this position in the gnomAD database.